The following is an entry in ClinVar:

NM_004595.5(SMS):c.874T>C (p.Trp292Arg)

Gene: SMS (spermine synthase; plus strand). Cytogenetic location: Xp22.11.
Variant type: single nucleotide variant.
Coding change: c.874T>C on transcript NM_004595.5 (MANE Select); coding-DNA position 874, T replaced by C.
Protein change: p.Trp292Arg; replaces tryptophan 292 with arginine.
Molecular consequence: missense variant.
Genome position (GRCh38, 1-based): chrX:21,985,152, T>C. VCF-style: chrX-21985152-T-C. GRCh37 (hg19) VCF-style: chrX-22003270-T-C.
Other names: c.715T>C, p.Trp239Arg (NM_001258423.2); short protein forms W239R, W292R.
Identifiers: ClinVar variation 2504552 (VCV002504552.1), dbSNP rs2519679204, ClinGen allele CA412570716.

ClinVar aggregate classification (germline): Uncertain significance (1 of 4 stars; one submission).

Submission:

GeneDx
Classification: Uncertain significance. Last evaluated: 2023-05-30. Review status: criteria provided, single submitter. Criteria: GeneDx Variant Classification Process June 2021. Collection method: clinical testing. Allele origin: germline. Affected: yes.
Comment: Has not been previously published as pathogenic or benign to our knowledge; Not observed at significant frequency in large population cohorts (gnomAD); In silico analysis supports that this missense variant has a deleterious effect on protein structure/function